The following is an entry in ClinVar:

ClinVar aggregate classification (germline): Uncertain significance (1 of 4 stars; one submission).

Allele frequency attached by ClinVar (database versions not stated): ExAC 0.00001; gnomAD 0.00001; TOPMed 0.00002.
gnomAD v4.1: 14 of 1,614,014 alleles (0.00087%); highest among the groups gnomAD compares: South Asian, 0.0022%; no homozygotes.

Submission:

Labcorp Genetics (formerly Invitae), Labcorp
Classification: Uncertain significance. Last evaluated: 2022-02-25. Review status: criteria provided, single submitter. Criteria: Invitae Variant Classification Sherloc (09022015). Collection method: clinical testing. Allele origin: germline.
Comment: This sequence change replaces valine, which is neutral and non-polar, with methionine, which is neutral and non-polar, at codon 3981 of the MACF1 protein (p.Val3981Met). This variant is present in population databases (rs756270656, gnomAD 0.003%). This variant has not been reported in the literature in individuals affected with MACF1-related conditions. Algorithms developed to predict the effect of missense changes on protein structure and function output the following: SIFT: "Tolerated"; PolyPhen-2: "Benign"; Align-GVGD: "Class C0". The methionine amino acid residue is found in multiple mammalian species, which suggests that this missense change does not adversely affect protein function. In summary, the available evidence is currently insufficient to determine the role of this variant in disease. Therefore, it has been classified as a Variant of Uncertain Significance.

NM_001394062.1(MACF1):c.18118G>A (p.Val6040Met)

Gene: MACF1 (microtubule actin crosslinking factor 1; plus strand). Cytogenetic location: 1p34.3.
Variant type: single nucleotide variant.
Coding change: c.18118G>A on transcript NM_001394062.1 (MANE Select); coding-DNA position 18118, G replaced by A.
Protein change: p.Val6040Met; replaces valine 6040 with methionine.
Molecular consequence: missense variant.
Genome position (GRCh38, 1-based): chr1:39,437,906, G>A. VCF-style: chr1-39437906-G-A. GRCh37 (hg19) VCF-style: chr1-39903578-G-A.
Other names: c.6196G>A, p.Val2066Met (NM_001397473.1); c.11941G>A, p.Val3981Met (NM_012090.5); short protein forms V2066M, V6040M, V3981M.
Identifiers: ClinVar variation 2172208 (VCV002172208.4), dbSNP rs756270656, ClinGen allele CA783823.
Genomic context (GRCh38, chr1:39,437,906, plus strand): 5'-CTGATCCCTGCTGAAGTAGACAAGATCAGAGAGTGCATCAGTGACAATAAGAGTGCCACC[G>A]TGGAGCTAGAAAAACTGCAGCCATCCTTTGAGGCCTTGAAGCGCCGTGGAGAGGAGCTTA-3'
Protein context (NP_001380991.1, residues 6030-6050): ECISDNKSAT[Val6040Met]ELEKLQPSFE